The following is an entry in ClinVar:

ClinVar aggregate classification (germline): Uncertain significance (1 of 4 stars; one submission).

Conditions:
Epileptic encephalopathy. Identifiers: MedGen C0543888, HP:0200134.

Allele frequency attached by ClinVar (database versions not stated): gnomAD exomes below 0.00001; gnomAD 0.00001.
gnomAD v4.1: 5 of 1,611,534 alleles (0.00031%); highest among the groups gnomAD compares: Admixed American, 0.0017%; no homozygotes.

Submission:

Labcorp Genetics (formerly Invitae), Labcorp
Classification: Uncertain significance for Epileptic encephalopathy. Last evaluated: 2022-06-29. Review status: criteria provided, single submitter. Criteria: Invitae Variant Classification Sherloc (09022015). Collection method: clinical testing. Allele origin: germline.
Comment: In summary, the available evidence is currently insufficient to determine the role of this variant in disease. Therefore, it has been classified as a Variant of Uncertain Significance. Algorithms developed to predict the effect of missense changes on protein structure and function (SIFT, PolyPhen-2, Align-GVGD) all suggest that this variant is likely to be disruptive. ClinVar contains an entry for this variant (Variation ID: 461918). This variant has not been reported in the literature in individuals affected with RYR3-related conditions. This variant is not present in population databases (gnomAD no frequency). This sequence change replaces tyrosine, which is neutral and polar, with cysteine, which is neutral and slightly polar, at codon 1591 of the RYR3 protein (p.Tyr1591Cys).

NM_001036.6(RYR3):c.4772A>G (p.Tyr1591Cys)

Gene: RYR3 (ryanodine receptor 3; plus strand). Cytogenetic location: 15q14.
Variant type: single nucleotide variant.
Coding change: c.4772A>G on transcript NM_001036.6 (MANE Select); coding-DNA position 4772, A replaced by G.
Protein change: p.Tyr1591Cys; replaces tyrosine 1591 with cysteine.
Molecular consequence: missense variant.
Genome position (GRCh38, 1-based): chr15:33,662,302, A>G. VCF-style: chr15-33662302-A-G. GRCh37 (hg19) VCF-style: chr15-33954503-A-G.
Other names: c.4772A>G, p.Tyr1591Cys (NM_001243996.4); short protein forms Y1591C.
Identifiers: ClinVar variation 461918 (VCV000461918.7), dbSNP rs1555397898, ClinGen allele CA391569135.